The following is an entry in ClinVar:

NM_024675.4(PALB2):c.87C>G (p.Ser29Arg)

Gene: PALB2 (partner and localizer of BRCA2; minus strand). Cytogenetic location: 16p12.2.
Variant type: single nucleotide variant.
Coding change: c.87C>G on transcript NM_024675.4 (MANE Select); coding-DNA position 87, C replaced by G.
Protein change: p.Ser29Arg; replaces serine 29 with arginine.
Molecular consequence: missense variant.
Genome position (GRCh38, 1-based): chr16:23,638,091, G>C on the plus strand (C>G on the coding strand, the complement: PALB2 is on the minus strand). VCF-style: chr16-23638091-G-C. GRCh37 (hg19) VCF-style: chr16-23649412-G-C.
Other names: short protein forms S29R.
Identifiers: ClinVar variation 1513097 (VCV001513097.15), dbSNP rs2142460349, ClinGen allele CA395139710.

ClinVar aggregate classification (germline): Uncertain significance. Review status: criteria provided, multiple submitters, no conflicts (2 of 4 stars). 3 submissions from 3 submitters: Uncertain significance (3). Last evaluated 2025-03-04.

Conditions:
Familial cancer of breast. Also called: Hereditary breast cancer; hereditary breast carcinoma; BREAST CANCER, FAMILIAL. Identifiers: Orphanet 227535, MedGen C0346153, MONDO:0016419, OMIM 114480. Disease mechanism: loss of function.
Hereditary cancer-predisposing syndrome. Also called: Tumor predisposition; Neoplastic Syndromes, Hereditary; Hereditary neoplastic syndrome; Hereditary Cancer Syndrome. Identifiers: Orphanet 140162, MedGen C0027672, MeSH D009386, MONDO:0015356.

Submissions (3):

Center for Genomic Medicine, Rigshospitalet, Copenhagen University Hospital
Classification: Uncertain significance. Last evaluated: 2025-03-04. Review status: criteria provided, single submitter. Criteria: ACMG Guidelines, 2015. Collection method: clinical testing. Allele origin: germline.

Ambry Genetics
Classification: Uncertain significance for Hereditary cancer-predisposing syndrome. Last evaluated: 2022-04-03. Review status: criteria provided, single submitter. Criteria: Ambry Variant Classification Scheme 2023. Collection method: clinical testing. Allele origin: germline.
Comment: The p.S29R variant (also known as c.87C>G), located in coding exon 2 of the PALB2 gene, results from a C to G substitution at nucleotide position 87. The serine at codon 29 is replaced by arginine, an amino acid with dissimilar properties. This amino acid position is conserved. In addition, the in silico prediction for this alteration is inconclusive. Since supporting evidence is limited at this time, the clinical significance of this alteration remains unclear.

Labcorp Genetics (formerly Invitae), Labcorp
Classification: Uncertain significance for Familial cancer of breast. Last evaluated: 2021-02-11. Review status: criteria provided, single submitter. Criteria: Invitae Variant Classification Sherloc (09022015). Collection method: clinical testing. Allele origin: germline.
Comment: In summary, the available evidence is currently insufficient to determine the role of this variant in disease. Therefore, it has been classified as a Variant of Uncertain Significance. This variant has not been reported in the literature in individuals with PALB2-related conditions. This sequence change replaces serine with arginine at codon 29 of the PALB2 protein (p.Ser29Arg). The serine residue is moderately conserved and there is a moderate physicochemical difference between serine and arginine. This variant is not present in population databases (ExAC no frequency). Algorithms developed to predict the effect of missense changes on protein structure and function are either unavailable or do not agree on the potential impact of this missense change (SIFT: "Tolerated"; PolyPhen-2: "Probably Damaging"; Align-GVGD: "Class C0").